The following is an entry in ClinVar:

NM_004380.3(CREBBP):c.4281-19A>T

Gene: CREBBP (CREB binding lysine acetyltransferase; minus strand). Cytogenetic location: 16p13.3.
Variant type: single nucleotide variant.
Coding change: c.4281-19A>T on transcript NM_004380.3 (MANE Select); 19 bases into the intron before coding-DNA position 4281, A replaced by T.
Molecular consequence: intron variant.
Genome position (GRCh38, 1-based): chr16:3,738,691, T>A on the plus strand (A>T on the coding strand, the complement: CREBBP is on the minus strand). VCF-style: chr16-3738691-T-A. GRCh37 (hg19) VCF-style: chr16-3788692-T-A.
Other names: c.4167-19A>T (NM_001079846.1).
Identifiers: ClinVar variation 4982409 (VCV004982409.1).
Genomic context (GRCh38, chr16:3,738,691, plus strand): 5'-CGGAAGAAATGAATACTATCCAGATAAGAAATGTACACACGCCTGTGGGAAGGAGGCACA[T>A]GTTTAACTCAGGGTATCCCTCAAATCTGAAATCAAACACAAGCAACAAACAACACCCTGG-3'

ClinVar aggregate classification (germline): Likely benign (1 of 4 stars; one submission).

Conditions:
CREBBP-related disorder. Also called: CREBBP-related condition; CREBBP-related disorders.

Submission:

PreventionGenetics, part of Exact Sciences
Classification: Likely benign for CREBBP-related condition. Last evaluated: 2026-04-22. Review status: criteria provided, single submitter. Criteria: ACMG Guidelines, 2015. Collection method: clinical testing. Allele origin: germline.
Comment: This variant is classified as likely benign based on ACMG/AMP sequence variant interpretation guidelines (Richards et al. 2015 PMID: 25741868, with internal and published modifications).